The following is an entry in ClinVar:

NM_000262.3(NAGA):c.201G>A (p.Trp67Ter)

Genes: NAGA (alpha-N-acetylgalactosaminidase; minus strand), LOC126863160 (CDK7 strongly-dependent group 2 enhancer GRCh37_chr22:42462918-42464117; plus strand). Cytogenetic location: 22q13.2.
Variant type: single nucleotide variant.
Coding change: c.201G>A on transcript NM_000262.3 (MANE Select); coding-DNA position 201, G replaced by A.
Protein change: p.Trp67Ter; replaces tryptophan 67 with a stop codon.
Molecular consequence: nonsense.
Genome position (GRCh38, 1-based): chr22:42,067,888, C>T on the plus strand (G>A on the coding strand, the complement: NAGA is on the minus strand). VCF-style: chr22-42067888-C-T. GRCh37 (hg19) VCF-style: chr22-42463892-C-T.
Other names: c.201G>A, p.Trp67Ter (NM_001362848.1, NM_001362850.1); short protein forms W67*.
Identifiers: ClinVar variation 5015141 (VCV005015141.1).
Genomic context (GRCh38, chr22:42,067,888, plus strand): 5'-GGCATCGCGACCACCGATCCAGCAGTCATCAATGTTGAGGTATGTGTAGCCCATGTCCCG[C>T]CATCCATCCTGTGCCATCCGGTCAGCCATCTCCATGAAGAGCTGTTCACTAGTGAGGGGC-3'

ClinVar aggregate classification (germline): Pathogenic (1 of 4 stars; one submission).

Conditions:
Alpha-N-acetylgalactosaminidase deficiency. Identifiers: Orphanet 3137, MedGen C5848084, MONDO:0017779.

Submission:

Myriad Genetics, Inc.
Classification: Pathogenic for Alpha-N-acetylgalactosaminidase deficiency. Last evaluated: 2025-10-25. Review status: criteria provided, single submitter. Criteria: Myriad Autosomal Dominant, Autosomal Recessive and X-Linked Classification Criteria (2023). Collection method: clinical testing. Allele origin: unknown.
Comment: NM_000262.2(NAGA):c.201G>A(W67*) is expected to be pathogenic in the context of NAGA-related disorders. This variant is predicted to lead to an abnormal or absent protein product due to the creation of a premature termination codon in NAGA, a gene where loss-of-function variants are known to be pathogenic. Please note: this variant was assessed in the context of healthy population screening.